The following is an entry in ClinVar:

NM_012330.4(KAT6B):c.3373-14G>A

Gene: KAT6B (lysine acetyltransferase 6B; plus strand). Cytogenetic location: 10q22.2.
Variant type: single nucleotide variant.
Coding change: c.3373-14G>A on transcript NM_012330.4 (MANE Select); 14 bases into the intron before coding-DNA position 3373, G replaced by A.
Molecular consequence: intron variant.
Genome position (GRCh38, 1-based): chr10:75,024,944, G>A. VCF-style: chr10-75024944-G-A. GRCh37 (hg19) VCF-style: chr10-76784702-G-A.
Other names: c.3373-14G>A (NM_001370137.1, NM_001370136.1); c.2824-14G>A (NM_001256468.2, NM_001370138.1); c.2497-14G>A (NM_001256469.2, NM_001370142.1, NM_001370139.1 and 2 more transcripts); c.2335-14G>A (NM_001370132.1); c.2308-14G>A (NM_001370144.1, NM_001370143.1); c.1030-14G>A (NM_001370135.1); c.1684-14G>A (NM_001370133.1); c.1288-14G>A (NM_001370134.1).
Identifiers: ClinVar variation 2818419 (VCV002818419.3), dbSNP rs2549182848, ClinGen allele CA2739275845.

ClinVar aggregate classification (germline): Pathogenic (1 of 4 stars; one submission).

Conditions:
Genitopatellar syndrome (GTPTS). Also called: Genitopatellar syndrome (GPS); ABSENT PATELLAE, SCROTAL HYPOPLASIA, RENAL ANOMALIES, FACIAL DYSMORPHISM, AND MENTAL RETARDATION. Identifiers: Orphanet 85201, MedGen C1853566, MONDO:0011640, OMIM 606170.

Submission:

Labcorp Genetics (formerly Invitae), Labcorp
Classification: Pathogenic for Genitopatellar syndrome. Last evaluated: 2023-02-17. Review status: criteria provided, single submitter. Criteria: Invitae Variant Classification Sherloc (09022015). Collection method: clinical testing. Allele origin: germline.
Comment: For these reasons, this variant has been classified as Pathogenic. Algorithms developed to predict the effect of sequence changes on RNA splicing suggest that this variant may disrupt the consensus splice site. This variant has been observed in individual(s) with clinical features of KAT6B-related conditions (Invitae). In at least one individual the variant was observed to be de novo. This variant is not present in population databases (gnomAD no frequency). This sequence change falls in intron 16 of the KAT6B gene. It does not directly change the encoded amino acid sequence of the KAT6B protein.